The following is an entry in ClinVar:

ClinVar aggregate classification (germline): Uncertain significance. Review status: criteria provided, multiple submitters, no conflicts (2 of 4 stars). 2 submissions from 2 submitters: Uncertain significance (2). Last evaluated 2025-02-12.

Conditions:
Hereditary cancer-predisposing syndrome. Also called: Neoplastic Syndromes, Hereditary; Hereditary neoplastic syndrome; Tumor predisposition; Hereditary Cancer Syndrome. Identifiers: Orphanet 140162, MedGen C0027672, MeSH D009386, MONDO:0015356.
Renal cell carcinoma. Identifiers: Orphanet 217071, MedGen C0007134, MeSH D002292, MONDO:0005086, HP:0005584.

Submissions (2):

Labcorp Genetics (formerly Invitae), Labcorp
Classification: Uncertain significance for Renal cell carcinoma. Last evaluated: 2025-02-12. Review status: criteria provided, single submitter. Criteria: Invitae Variant Classification Sherloc (09022015). Collection method: clinical testing. Allele origin: germline.
Comment: This sequence change replaces leucine, which is neutral and non-polar, with methionine, which is neutral and non-polar, at codon 481 of the MET protein (p.Leu481Met). This variant is not present in population databases (gnomAD no frequency). This variant has not been reported in the literature in individuals affected with MET-related conditions. ClinVar contains an entry for this variant (Variation ID: 524850). Invitae Evidence Modeling of protein sequence and biophysical properties (such as structural, functional, and spatial information, amino acid conservation, physicochemical variation, residue mobility, and thermodynamic stability) indicates that this missense variant is expected to disrupt MET protein function with a positive predictive value of 80%. In summary, the available evidence is currently insufficient to determine the role of this variant in disease. Therefore, it has been classified as a Variant of Uncertain Significance.

Ambry Genetics
Classification: Uncertain significance for Hereditary cancer-predisposing syndrome. Last evaluated: 2024-06-18. Review status: criteria provided, single submitter. Criteria: Ambry Variant Classification Scheme 2023. Collection method: clinical testing. Allele origin: germline.
Comment: The p.L481M variant (also known as c.1441C>A), located in coding exon 3 of the MET gene, results from a C to A substitution at nucleotide position 1441. The leucine at codon 481 is replaced by methionine, an amino acid with highly similar properties. This amino acid position is highly conserved in available vertebrate species. In addition, this alteration is predicted to be tolerated by in silico analysis. Since supporting evidence is limited at this time, the clinical significance of this alteration remains unclear.

NM_000245.4(MET):c.1441C>A (p.Leu481Met)

Gene: MET (MET proto-oncogene, receptor tyrosine kinase; plus strand). Cytogenetic location: 7q31.2.
Variant type: single nucleotide variant.
Coding change: c.1441C>A on transcript NM_000245.4 (MANE Select); coding-DNA position 1441, C replaced by A.
Protein change: p.Leu481Met; replaces leucine 481 with methionine.
Molecular consequence: missense variant.
Genome position (GRCh38, 1-based): chr7:116,739,998, C>A. VCF-style: chr7-116739998-C-A. GRCh37 (hg19) VCF-style: chr7-116380052-C-A.
Other names: c.1441C>A, p.Leu481Met (NM_001127500.3, NM_001324401.3); c.151C>A, p.Leu51Met (NM_001324402.2); short protein forms L481M, L51M.
Identifiers: ClinVar variation 524850 (VCV000524850.12), dbSNP rs1012909374, ClinGen allele CA164872796.